The following is an entry in ClinVar:

NM_139318.5(KCNH5):c.2481C>G (p.Asp827Glu)

Gene: KCNH5 (potassium voltage-gated channel subfamily H member 5; minus strand). Cytogenetic location: 14q23.2.
Variant type: single nucleotide variant.
Coding change: c.2481C>G on transcript NM_139318.5 (MANE Select); coding-DNA position 2481, C replaced by G.
Protein change: p.Asp827Glu; replaces aspartic acid 827 with glutamic acid.
Molecular consequence: missense variant. On other transcripts: 3 prime UTR variant (1).
Genome position (GRCh38, 1-based): chr14:62,707,994, G>C on the plus strand (C>G on the coding strand, the complement: KCNH5 is on the minus strand). VCF-style: chr14-62707994-G-C. GRCh37 (hg19) VCF-style: chr14-63174712-G-C.
Other names: c.*448C>G (NM_172375.3); short protein forms D827E.
Identifiers: ClinVar variation 3707114 (VCV003707114.2).

ClinVar aggregate classification (germline): Uncertain significance (1 of 4 stars; one submission).

Conditions:
Early-infantile DEE. Also called: Early infantile epileptic encephalopathy; Early infantile epileptic encephalopathy with suppression bursts; Ohtahara syndrome. Identifiers: Orphanet 1934, MedGen C0393706, MONDO:0800491.

gnomAD v4.1: 3 of 1,614,046 alleles (0.00019%); highest among the groups gnomAD compares: Non-Finnish European, 0.00025%; no homozygotes.

Submission:

Labcorp Genetics (formerly Invitae), Labcorp
Classification: Uncertain significance for Early-infantile DEE. Last evaluated: 2024-11-03. Review status: criteria provided, single submitter. Criteria: Invitae Variant Classification Sherloc (09022015). Collection method: clinical testing. Allele origin: germline.
Comment: This sequence change replaces aspartic acid, which is acidic and polar, with glutamic acid, which is acidic and polar, at codon 827 of the KCNH5 protein (p.Asp827Glu). This variant is not present in population databases (gnomAD no frequency). This variant has not been reported in the literature in individuals affected with KCNH5-related conditions. Invitae Evidence Modeling of protein sequence and biophysical properties (such as structural, functional, and spatial information, amino acid conservation, physicochemical variation, residue mobility, and thermodynamic stability) indicates that this missense variant is not expected to disrupt KCNH5 protein function with a negative predictive value of 95%. In summary, the available evidence is currently insufficient to determine the role of this variant in disease. Therefore, it has been classified as a Variant of Uncertain Significance.